The following is an entry in ClinVar:

ClinVar aggregate classification (germline): Conflicting classifications of pathogenicity. Review status: criteria provided, conflicting classifications (1 of 4 stars). 2 submissions from 2 submitters: Uncertain significance (1); Likely benign (1). Last evaluated 2023-03-23.

Conditions:
Hereditary cancer-predisposing syndrome. Also called: Neoplastic Syndromes, Hereditary; Tumor predisposition; Hereditary neoplastic syndrome; Hereditary Cancer Syndrome. Identifiers: Orphanet 140162, MedGen C0027672, MeSH D009386, MONDO:0015356.
Hereditary breast ovarian cancer syndrome. Also called: Hereditary breast and ovarian cancer syndrome (HBOC); Hereditary breast and ovarian cancer; Hereditary breast and/or ovarian cancer syndrome; Hereditary breast and ovarian cancer syndrome; Breast and ovarian cancer; BRCA1- and BRCA2-Associated Hereditary Breast and Ovarian Cancer. Identifiers: Orphanet 145, MedGen C0677776, MeSH D061325, MONDO:0003582. Disease mechanism: loss of function.

Submissions (2):

University of Washington Department of Laboratory Medicine, University of Washington
Classification: Likely benign for Hereditary cancer-predisposing syndrome. Last evaluated: 2023-03-23. Review status: criteria provided, single submitter. Criteria: Dines et al. (Genet Med. 2020). Collection method: curation. Allele origin: germline.
Comment: Missense variant in a coldspot region where missense variants are very unlikely to be pathogenic (PMID:31911673).

BRCA2 exon 11 coldspot. Reclassification based on statistical prior probability.

Labcorp Genetics (formerly Invitae), Labcorp
Classification: Uncertain significance for Hereditary breast ovarian cancer syndrome. Last evaluated: 2019-12-11. Review status: criteria provided, single submitter. Criteria: Invitae Variant Classification Sherloc (09022015). Collection method: clinical testing. Allele origin: germline.
Comment: In summary, the available evidence is currently insufficient to determine the role of this variant in disease. Therefore, it has been classified as a Variant of Uncertain Significance. Algorithms developed to predict the effect of missense changes on protein structure and function output the following: SIFT: "Tolerated"; PolyPhen-2: "Benign"; Align-GVGD: "Class C0". The alanine amino acid residue is found in multiple mammalian species, suggesting that this missense change does not adversely affect protein function. These predictions have not been confirmed by published functional studies and their clinical significance is uncertain. This variant has not been reported in the literature in individuals with BRCA2-related disease. This variant is not present in population databases (ExAC no frequency). This sequence change replaces serine with alanine at codon 2219 of the BRCA2 protein (p.Ser2219Ala). The serine residue is weakly conserved and there is a moderate physicochemical difference between serine and alanine.

NM_000059.4(BRCA2):c.6655T>G (p.Ser2219Ala)

Gene: BRCA2 (BRCA2 DNA repair associated; plus strand). Cytogenetic location: 13q13.1.
Variant type: single nucleotide variant.
Coding change: c.6655T>G on transcript NM_000059.4 (MANE Select); coding-DNA position 6655, T replaced by G.
Protein change: p.Ser2219Ala; replaces serine 2219 with alanine.
Molecular consequence: missense variant.
Genome position (GRCh38, 1-based): chr13:32,341,010, T>G. VCF-style: chr13-32341010-T-G. GRCh37 (hg19) VCF-style: chr13-32915147-T-G.
Other names: short protein forms S2219A.
Identifiers: ClinVar variation 567388 (VCV000567388.12), dbSNP rs1566235100, ClinGen allele CA387790421.